The following is an entry in ClinVar:

ClinVar aggregate classification (germline): Benign (1 of 4 stars; one submission).

Allele frequency attached by ClinVar (database versions not stated): ESP Exome Variant Server 0.00046; TOPMed 0.00057; gnomAD exomes 0.00133; gnomAD 0.00192; 1000 Genomes Project 0.00220; 1000 Genomes Project 30x 0.00250; ExAC 0.00284.
gnomAD v4.1: 2,216 of 1,614,076 alleles (0.14%); highest among the groups gnomAD compares: East Asian, 0.52%; 17 homozygotes.

Submission:

CeGaT Center for Human Genetics Tuebingen
Classification: Benign. Last evaluated: 2025-05-01. Review status: criteria provided, single submitter. Criteria: CeGaT Center For Human Genetics Tuebingen Variant Classification Criteria Version 2. Collection method: clinical testing. Allele origin: germline. Affected: yes. Observed: 3 variant alleles.
Comment: DALRD3: BP4, BS1, BS2

NM_001009996.3(DALRD3):c.1090G>A (p.Val364Ile)

Gene: DALRD3 (DALR anticodon binding domain containing 3; minus strand). Cytogenetic location: 3p21.31.
Variant type: single nucleotide variant.
Coding change: c.1090G>A on transcript NM_001009996.3 (MANE Select); coding-DNA position 1090, G replaced by A.
Protein change: p.Val364Ile; replaces valine 364 with isoleucine.
Molecular consequence: missense variant.
Genome position (GRCh38, 1-based): chr3:49,016,485, C>T on the plus strand (G>A on the coding strand, the complement: DALRD3 is on the minus strand). VCF-style: chr3-49016485-C-T. GRCh37 (hg19) VCF-style: chr3-49053918-C-T.
Other names: c.1090G>A, p.Val364Ile (NM_001276405.2); c.589G>A, p.Val197Ile (NM_018114.6); short protein forms V197I, V364I.
Identifiers: ClinVar variation 3067222 (VCV003067222.21), dbSNP rs145394428, ClinGen allele CA2389712.